The following is an entry in ClinVar:

NM_000135.4(FANCA):c.4126G>A (p.Val1376Ile)

Genes: FANCA (FA complementation group A; minus strand), ZNF276 (zinc finger protein 276; plus strand). Cytogenetic location: 16q24.3.
Variant type: single nucleotide variant.
Coding change: c.4126G>A on transcript NM_000135.4 (MANE Select); coding-DNA position 4126, G replaced by A.
Protein change: p.Val1376Ile; replaces valine 1376 with isoleucine.
Molecular consequence: missense variant. On other transcripts: 3 prime UTR variant (2), non-coding transcript variant (4).
Genome position (GRCh38, 1-based): chr16:89,739,174, C>T on the plus strand (G>A on the coding strand, the complement: FANCA is on the minus strand). VCF-style: chr16-89739174-C-T. GRCh37 (hg19) VCF-style: chr16-89805582-C-T.
Other names: c.4126G>A, p.Val1376Ile (NM_001286167.3); c.*928C>T (NM_001113525.2, NM_152287.4); short protein forms V1376I.
Identifiers: ClinVar variation 2082754 (VCV002082754.8), dbSNP rs1403859556, ClinGen allele CA8250778.
Genomic context (GRCh38, chr16:89,739,174, plus strand): 5'-GACTGGCCCTTGCACCTGCCTGACCCTTGAGCTCCAGGCTCCTGCCAGCTGGAGGTGAAA[C>T]TGTGCTTGTATCCCCAGCCACGAAGAGCTGGACCAGCTTCAAGTACATGTCCACAGCAAC-3'
Protein context (NP_000126.2, residues 1366-1386): QLFVAGDTST[Val1376Ile]SPPAGRSLEL

ClinVar aggregate classification (germline): Conflicting classifications of pathogenicity. Review status: criteria provided, conflicting classifications (1 of 4 stars). 3 submissions from 3 submitters: Uncertain significance (2); Likely benign (1). Last evaluated 2025-10-01.

Conditions:
Inborn genetic diseases. Identifiers: MedGen C0950123, MeSH D030342.
Fanconi anemia (FA). Also called: Fanconi's anemia. Identifiers: Orphanet 84, MedGen C0015625, MeSH D005199, MONDO:0019391.

Allele frequency attached by ClinVar (database versions not stated): TOPMed below 0.00001; gnomAD 0.00001; gnomAD exomes 0.00001; ExAC 0.00002.
gnomAD v4.1: 18 of 1,614,070 alleles (0.0011%); highest among the groups gnomAD compares: South Asian, 0.014%; 1 homozygote.

Submissions (3):

CeGaT Center for Human Genetics Tuebingen
Classification: Likely benign. Last evaluated: 2025-10-01. Review status: criteria provided, single submitter. Criteria: CeGaT Center For Human Genetics Tuebingen Variant Classification Criteria Version 2. Collection method: clinical testing. Allele origin: germline. Affected: yes. Observed: 1 variant allele.
Comment: FANCA: BP4

Ambry Genetics
Classification: Uncertain significance for Inborn genetic diseases. Last evaluated: 2024-12-02. Review status: criteria provided, single submitter. Criteria: Ambry Variant Classification Scheme 2023. Collection method: clinical testing. Allele origin: germline.
Comment: The p.V1376I variant (also known as c.4126G>A), located in coding exon 41 of the FANCA gene, results from a G to A substitution at nucleotide position 4126. The valine at codon 1376 is replaced by isoleucine, an amino acid with highly similar properties. This amino acid position is conserved. In addition, this alteration is predicted to be tolerated by in silico analysis. Based on the available evidence, the clinical significance of this variant remains unclear.

Labcorp Genetics (formerly Invitae), Labcorp
Classification: Uncertain significance for Fanconi anemia. Last evaluated: 2021-09-01. Review status: criteria provided, single submitter. Criteria: Invitae Variant Classification Sherloc (09022015). Collection method: clinical testing. Allele origin: germline.
Comment: This sequence change replaces valine with isoleucine at codon 1376 of the FANCA protein (p.Val1376Ile). The valine residue is weakly conserved and there is a small physicochemical difference between valine and isoleucine. This variant is present in population databases (no rsID available, ExAC 0.003%). This variant has not been reported in the literature in individuals affected with FANCA-related conditions. Advanced modeling of protein sequence and biophysical properties (such as structural, functional, and spatial information, amino acid conservation, physicochemical variation, residue mobility, and thermodynamic stability) performed at Invitae indicates that this missense variant is not expected to disrupt FANCA protein function. In summary, the available evidence is currently insufficient to determine the role of this variant in disease. Therefore, it has been classified as a Variant of Uncertain Significance.